The following is an entry in ClinVar:

ClinVar aggregate classification (germline): Likely benign. Review status: criteria provided, single submitter (1 of 4 stars). 2 submissions from 2 submitters: Likely benign (1). 1 of the submissions does not count toward it. Last evaluated 2022-09-09.

Conditions:
POLQ-related disorder. Also called: POLQ-related condition.

Allele frequency attached by ClinVar (database versions not stated): 1000 Genomes Project 0.00579; 1000 Genomes Project 30x 0.00687; ESP Exome Variant Server 0.00715.

Submissions (2):

Ambry Genetics
Classification: Likely benign. Last evaluated: 2022-09-09. Review status: criteria provided, single submitter. Criteria: Ambry Variant Classification Scheme 2023. Collection method: clinical testing. Allele origin: germline.

PreventionGenetics, part of Exact Sciences
Classification: Benign for POLQ-related condition. Last evaluated: 2019-08-09. Review status: no assertion criteria provided. Collection method: clinical testing. Allele origin: germline. Not counted in ClinVar's aggregate classification.
Comment: This variant is classified as benign based on ACMG/AMP sequence variant interpretation guidelines (Richards et al. 2015 PMID: 25741868, with internal and published modifications).

NM_199420.4(POLQ):c.4520T>C (p.Met1507Thr)

Gene: POLQ (DNA polymerase theta; minus strand). Cytogenetic location: 3q13.33.
Variant type: single nucleotide variant.
Coding change: c.4520T>C on transcript NM_199420.4 (MANE Select); coding-DNA position 4520, T replaced by C.
Protein change: p.Met1507Thr; replaces methionine 1507 with threonine.
Molecular consequence: missense variant.
Genome position (GRCh38, 1-based): chr3:121,488,411, A>G on the plus strand (T>C on the coding strand, the complement: POLQ is on the minus strand). VCF-style: chr3-121488411-A-G. GRCh37 (hg19) VCF-style: chr3-121207258-A-G.
Other names: short protein forms M1507T.
Identifiers: ClinVar variation 1741213 (VCV001741213.4), dbSNP rs35877350, ClinGen allele CA2562881.